The following is an entry in ClinVar:

ClinVar aggregate classification (germline): Uncertain significance (1 of 4 stars; one submission).

Submission:

Labcorp Genetics (formerly Invitae), Labcorp
Classification: Uncertain significance. Last evaluated: 2022-10-07. Review status: criteria provided, single submitter. Criteria: Invitae Variant Classification Sherloc (09022015). Collection method: clinical testing. Allele origin: germline.
Comment: This variant is not present in population databases (gnomAD no frequency). In summary, the available evidence is currently insufficient to determine the role of this variant in disease. Therefore, it has been classified as a Variant of Uncertain Significance. Advanced modeling of protein sequence and biophysical properties (such as structural, functional, and spatial information, amino acid conservation, physicochemical variation, residue mobility, and thermodynamic stability) performed at Invitae indicates that this missense variant is not expected to disrupt CTNNA1 protein function. This variant has not been reported in the literature in individuals affected with CTNNA1-related conditions. This sequence change replaces phenylalanine, which is neutral and non-polar, with leucine, which is neutral and non-polar, at codon 423 of the CTNNA1 protein (p.Phe423Leu).

NM_001903.5(CTNNA1):c.1269C>G (p.Phe423Leu)

Gene: CTNNA1 (catenin alpha 1; plus strand). Cytogenetic location: 5q31.2.
Variant type: single nucleotide variant.
Coding change: c.1269C>G on transcript NM_001903.5 (MANE Select); coding-DNA position 1269, C replaced by G.
Protein change: p.Phe423Leu; replaces phenylalanine 423 with leucine.
Molecular consequence: missense variant. On other transcripts: 5 prime UTR variant (5), intron variant (2).
Genome position (GRCh38, 1-based): chr5:138,887,615, C>G. VCF-style: chr5-138887615-C-G. GRCh37 (hg19) VCF-style: chr5-138223304-C-G.
Other names: c.1269C>G, p.Phe423Leu (NM_001290307.3, NM_001323982.2, NM_001323983.1 and 3 more transcripts); c.960C>G, p.Phe320Leu (NM_001290309.3); c.900C>G, p.Phe300Leu (NM_001290310.3); c.159C>G, p.Phe53Leu (NM_001290312.1, NM_001323987.1, NM_001323988.1 and 18 more transcripts); c.-239C>G (NM_001324006.1, NM_001324007.1, NM_001324008.1 and 1 more transcripts); c.-114C>G (NM_001324013.1); c.-58+12018C>G (NM_001324012.1); c.-61+12018C>G (NM_001324010.1); short protein forms F300L, F320L, F423L, F53L.
Identifiers: ClinVar variation 1721196 (VCV001721196.5), dbSNP rs2533016425, ClinGen allele CA361133216.
Genomic context (GRCh38, chr5:138,887,615, plus strand): 5'-ATTGATTGAAGCTGCAAAGAATGGAAATGAGAAAGAAGTTAAGGAGTATGCCCAAGTTTT[C>G]CGTGAACATGCCAACAAATTGATTGAGGTAAGTGAATTAGCAGTTTCATTGACTTGTAGG-3'
Protein context (NP_001894.2, residues 413-433): EKEVKEYAQV[Phe423Leu]REHANKLIEV